The following is an entry in ClinVar:

NM_138927.4(SON):c.2030C>T (p.Ser677Leu)

Gene: SON (SON DNA and RNA binding protein; plus strand). Cytogenetic location: 21q22.11.
Variant type: single nucleotide variant.
Coding change: c.2030C>T on transcript NM_138927.4 (MANE Select); coding-DNA position 2030, C replaced by T.
Protein change: p.Ser677Leu; replaces serine 677 with leucine.
Molecular consequence: missense variant. On other transcripts: non-coding transcript variant (1), intron variant (1).
Genome position (GRCh38, 1-based): chr21:33,551,261, C>T. VCF-style: chr21-33551261-C-T. GRCh37 (hg19) VCF-style: chr21-34923567-C-T.
Other names: c.2030C>T, p.Ser677Leu (NM_001291411.2, NM_001412133.1, NM_032195.3 and 2 more transcripts); c.244+4882C>T (NM_001291412.3); short protein forms S677L.
Identifiers: ClinVar variation 1981329 (VCV001981329.4), dbSNP rs776593417, ClinGen allele CA10009012.

ClinVar aggregate classification (germline): Uncertain significance (1 of 4 stars; one submission).

Allele frequency attached by ClinVar (database versions not stated): ExAC 0.00001; gnomAD exomes 0.00001; TOPMed 0.00001; gnomAD 0.00003.
gnomAD v4.1: 21 of 1,614,000 alleles (0.0013%); highest among the groups gnomAD compares: African/African-American, 0.0053%; no homozygotes.

Submission:

Labcorp Genetics (formerly Invitae), Labcorp
Classification: Uncertain significance. Last evaluated: 2026-01-07. Review status: criteria provided, single submitter. Criteria: Invitae Variant Classification Sherloc (09022015). Collection method: clinical testing. Allele origin: germline.
Comment: This sequence change replaces serine, which is neutral and polar, with leucine, which is neutral and non-polar, at codon 677 of the SON protein (p.Ser677Leu). This variant is present in population databases (rs776593417, gnomAD 0.008%). This variant has not been reported in the literature in individuals affected with SON-related conditions. ClinVar contains an entry for this variant (Variation ID: 1981329). An algorithm developed to predict the effect of missense changes on protein structure and function (PolyPhen-2) suggests that this variant is likely to be disruptive. In summary, the available evidence is currently insufficient to determine the role of this variant in disease. Therefore, it has been classified as a Variant of Uncertain Significance.